The following is an entry in ClinVar:

NM_000388.4(CASR):c.518T>A (p.Leu173His)

Gene: CASR (calcium sensing receptor; plus strand). Cytogenetic location: 3q21.1.
Variant type: single nucleotide variant.
Coding change: c.518T>A on transcript NM_000388.4 (MANE Select); coding-DNA position 518, T replaced by A.
Protein change: p.Leu173His; replaces leucine 173 with histidine.
Molecular consequence: missense variant.
Genome position (GRCh38, 1-based): chr3:122,261,553, T>A. VCF-style: chr3-122261553-T-A. GRCh37 (hg19) VCF-style: chr3-121980400-T-A.
Other names: c.518T>A, p.Leu173His (NM_001178065.2); short protein forms L173H.
Identifiers: ClinVar variation 2581557 (VCV002581557.1), dbSNP rs2107631736, ClinGen allele CA354150758.
Genomic context (GRCh38, chr3:122,261,553, plus strand): 5'-ACTCACTCATTCACCATGTTCTTGGTTCTCTCCAGGTCAGTTATGCCTCCTCCAGCAGAC[T>A]CCTCAGCAACAAGAATCAATTCAAGTCTTTCCTCCGAACCATCCCCAATGATGAGCACCA-3'
Protein context (NP_000379.3, residues 163-183): PQVSYASSSR[Leu173His]LSNKNQFKSF

ClinVar aggregate classification (germline): Uncertain significance (1 of 4 stars; one submission).

Submission:

Women's Health and Genetics/Laboratory Corporation of America, LabCorp
Classification: Uncertain significance. Last evaluated: 2023-08-08. Review status: criteria provided, single submitter. Criteria: LabCorp Variant Classification Summary - May 2015. Collection method: clinical testing. Allele origin: germline.
Comment: Variant summary: CASR c.518T>A (p.Leu173His) results in a non-conservative amino acid change located in the Receptor, ligand binding region (IPR001828) of the encoded protein sequence. Five of five in-silico tools predict a damaging effect of the variant on protein function. The variant was absent in 251256 control chromosomes. The available data on variant occurrences in the general population are insufficient to allow any conclusion about variant significance. To our knowledge, no occurrence of c.518T>A in individuals affected with Autosomal Dominant Hypocalcemia and no experimental evidence demonstrating its impact on protein function have been reported. No submitters have cited clinical-significance assessments for this variant to ClinVar after 2014. Based on the evidence outlined above, the variant was classified as uncertain significance.